The following is an entry in ClinVar:

ClinVar aggregate classification (germline): Uncertain significance. Review status: criteria provided, single submitter (1 of 4 stars). 2 submissions from 2 submitters: Uncertain significance (1). 1 of the submissions does not count toward it. Last evaluated 2021-08-12.

Conditions:
Inborn genetic diseases. Identifiers: MedGen C0950123, MeSH D030342.
PKD1L1-related disorder. Also called: PKD1L1-related condition.

Allele frequency attached by ClinVar (database versions not stated): TOPMed 0.00006; gnomAD 0.00009; gnomAD exomes 0.00011; ExAC 0.00034; 1000 Genomes Project 0.00060; 1000 Genomes Project 30x 0.00062.
gnomAD v4.1: 174 of 1,609,140 alleles (0.011%); highest among the groups gnomAD compares: South Asian, 0.15%; 1 homozygote.

Submissions (2):

Ambry Genetics
Classification: Uncertain significance for Inborn genetic diseases. Last evaluated: 2021-08-12. Review status: criteria provided, single submitter. Criteria: Ambry Variant Classification Scheme 2023. Collection method: clinical testing. Allele origin: germline.

PreventionGenetics, part of Exact Sciences
Classification: Likely benign for PKD1L1-related condition. Last evaluated: 2022-04-26. Review status: no assertion criteria provided. Collection method: clinical testing. Allele origin: germline. Not counted in ClinVar's aggregate classification.
Comment: This variant is classified as likely benign based on ACMG/AMP sequence variant interpretation guidelines (Richards et al. 2015 PMID: 25741868, with internal and published modifications).

NM_138295.5(PKD1L1):c.7648G>A (p.Val2550Ile)

Genes: PKD1L1 (polycystin 1 like 1, transient receptor potential channel interacting; minus strand), PKD1L1-AS1 (PKD1L1 antisense RNA 1; plus strand). Cytogenetic location: 7p12.3.
Variant type: single nucleotide variant.
Coding change: c.7648G>A on transcript NM_138295.5 (MANE Select); coding-DNA position 7648, G replaced by A.
Protein change: p.Val2550Ile; replaces valine 2550 with isoleucine.
Molecular consequence: missense variant.
Genome position (GRCh38, 1-based): chr7:47,809,511, C>T on the plus strand (G>A on the coding strand, the complement: PKD1L1 is on the minus strand). VCF-style: chr7-47809511-C-T. GRCh37 (hg19) VCF-style: chr7-47849109-C-T.
Other names: short protein forms V2550I.
Identifiers: ClinVar variation 2401502 (VCV002401502.4), dbSNP rs551487756, ClinGen allele CA4251960.